The following is an entry in ClinVar:

NM_000254.3(MTR):c.*3512G>A

Gene: MTR (5-methyltetrahydrofolate-homocysteine methyltransferase; plus strand). Cytogenetic location: 1q43.
Variant type: single nucleotide variant.
Coding change: c.*3512G>A on transcript NM_000254.3 (MANE Select); 3512 bases downstream of the stop codon, G replaced by A.
Molecular consequence: 3 prime UTR variant.
Genome position (GRCh38, 1-based): chr1:236,901,156, G>A. VCF-style: chr1-236901156-G-A. GRCh37 (hg19) VCF-style: chr1-237064456-G-A.
Other names: c.*3512G>A (NM_001291939.1, NM_001291940.2).
Identifiers: ClinVar variation 876771 (VCV000876771.5), dbSNP rs41305971, ClinGen allele CA10994162.
Genomic context (GRCh38, chr1:236,901,156, plus strand): 5'-GTGGGTTGGAGGAAGCCAGGAGGGAGAGTGCAATGCCGAGAAAGCAATGAAGAGCGTTTC[G>A]AAGCATGCCAGCAGAACCCAATGCTGCAAAGAGGCCTGGGAATGGGATTGCTGAGGGCCC-3'

ClinVar aggregate classification (germline): Benign. Review status: criteria provided, multiple submitters, no conflicts (2 of 4 stars). 2 submissions from 2 submitters: Benign (2). Last evaluated 2018-01-12.

Conditions:
Disorders of Intracellular Cobalamin Metabolism. Identifiers: MedGen CN043592.

Allele frequency attached by ClinVar (database versions not stated): 1000 Genomes Project 30x 0.00578; 1000 Genomes Project 0.00599; TOPMed 0.01528; gnomAD exomes 0.02508.
gnomAD v4.1: 2,332 of 152,832 alleles (1.5%); highest among the groups gnomAD compares: Non-Finnish European, 2.5%; 34 homozygotes.

Submissions (2):

Illumina Laboratory Services, Illumina
Classification: Benign for Disorders of Intracellular Cobalamin Metabolism. Last evaluated: 2018-01-12. Review status: criteria provided, single submitter. Criteria: ICSL Variant Classification Criteria 13 December 2019. Collection method: clinical testing. Allele origin: germline.
Comment: This variant was observed in the ICSL laboratory as part of a predisposition screen in an ostensibly healthy population. It had not been previously curated by ICSL or reported in the Human Gene Mutation Database (HGMD: prior to June 1st, 2018), and was therefore a candidate for classification through an automated scoring system. Utilizing variant allele frequency, disease prevalence and penetrance estimates, and inheritance mode, an automated score was calculated to assess if this variant is too frequent to cause the disease. Based on the score and internal cut-off values, a variant classified as benign is not then subjected to further curation. The score for this variant resulted in a classification of benign for this disease.

Breakthrough Genomics
Classification: Benign. Review status: criteria provided, single submitter. Criteria: ACMG Guidelines, 2015. Collection method: not provided. Allele origin: germline. Inheritance: Autosomal recessive inheritance. Affected: yes.